The following is an entry in ClinVar:

NM_006118.4(HAX1):c.212G>A (p.Gly71Glu)

Gene: HAX1 (HCLS1 associated protein X-1; plus strand). Cytogenetic location: 1q21.3.
Variant type: single nucleotide variant.
Coding change: c.212G>A on transcript NM_006118.4 (MANE Select); coding-DNA position 212, G replaced by A.
Protein change: p.Gly71Glu; replaces glycine 71 with glutamic acid.
Molecular consequence: missense variant.
Genome position (GRCh38, 1-based): chr1:154,273,494, G>A. VCF-style: chr1-154273494-G-A. GRCh37 (hg19) VCF-style: chr1-154245970-G-A.
Other names: c.68G>A, p.Gly23Glu (NM_001018837.2); short protein forms G23E, G71E.
Identifiers: ClinVar variation 4033868 (VCV004033868.1).

ClinVar aggregate classification (germline): Uncertain significance (1 of 4 stars; one submission).

Conditions:
Inborn genetic diseases. Identifiers: MedGen C0950123, MeSH D030342.

Submission:

Ambry Genetics
Classification: Uncertain significance for Inborn genetic diseases. Last evaluated: 2025-05-31. Review status: criteria provided, single submitter. Criteria: Ambry Variant Classification Scheme 2023. Collection method: clinical testing. Allele origin: germline.
Comment: The p.G71E variant (also known as c.212G>A), located in coding exon 2 of the HAX1 gene, results from a G to A substitution at nucleotide position 212. The glycine at codon 71 is replaced by glutamic acid, an amino acid with similar properties. This amino acid position is conserved. In addition, this alteration is predicted to be tolerated by in silico analysis. Based on the available evidence, the clinical significance of this variant remains unclear.